The following is an entry in ClinVar:

ClinVar aggregate classification (germline): Conflicting classifications of pathogenicity. Review status: criteria provided, conflicting classifications (1 of 4 stars). 3 submissions from 3 submitters: Uncertain significance (1); Benign (1); Likely benign (1). Last evaluated 2026-03-18.

Conditions:
Inborn genetic diseases. Identifiers: MedGen C0950123, MeSH D030342.
ALPK1-related disorder. Also called: ALPK1-related condition.

Allele frequency attached by ClinVar (database versions not stated): ExAC 0.00009; 1000 Genomes Project 30x 0.00016; 1000 Genomes Project 0.00020; ESP Exome Variant Server 0.00031.
gnomAD v4.1: 255 of 1,614,156 alleles (0.016%); highest among the groups gnomAD compares: Middle Eastern, 0.3%; 1 homozygote.

Submissions (3):

PreventionGenetics, part of Exact Sciences
Classification: Uncertain significance for ALPK1-related condition. Last evaluated: 2026-03-18. Review status: criteria provided, single submitter. Criteria: ACMG Guidelines, 2015. Collection method: clinical testing. Allele origin: germline.
Comment: The ALPK1 c.2453G>A variant is predicted to result in the amino acid substitution p.Cys818Tyr. To our knowledge, this variant has not been reported in the literature. This variant is reported in 0.029% of alleles in individuals of Ashkenazi Jewish descent in gnomAD. Although we suspect that this variant may be benign, at this time, the clinical significance of this variant is uncertain due to the absence of conclusive functional and genetic evidence.

Labcorp Genetics (formerly Invitae), Labcorp
Classification: Benign. Last evaluated: 2026-01-12. Review status: criteria provided, single submitter. Criteria: Invitae Variant Classification Sherloc (09022015). Collection method: clinical testing. Allele origin: germline.

Ambry Genetics
Classification: Likely benign for Inborn genetic diseases. Last evaluated: 2022-12-19. Review status: criteria provided, single submitter. Criteria: Ambry Variant Classification Scheme 2023. Collection method: clinical testing. Allele origin: germline.

NM_025144.4(ALPK1):c.2453G>A (p.Cys818Tyr)

Gene: ALPK1 (alpha kinase 1; plus strand). Cytogenetic location: 4q25.
Variant type: single nucleotide variant.
Coding change: c.2453G>A on transcript NM_025144.4 (MANE Select); coding-DNA position 2453, G replaced by A.
Protein change: p.Cys818Tyr; replaces cysteine 818 with tyrosine.
Molecular consequence: missense variant.
Genome position (GRCh38, 1-based): chr4:112,432,000, G>A. VCF-style: chr4-112432000-G-A. GRCh37 (hg19) VCF-style: chr4-113353156-G-A.
Other names: c.2453G>A (NM_001102406.1); c.2453G>A, p.Cys818Tyr (NM_001102406.2); c.2219G>A, p.Cys740Tyr (NM_001253884.2); short protein forms C740Y, C818Y.
Identifiers: ClinVar variation 2066192 (VCV002066192.6), dbSNP rs112483372, ClinGen allele CA3046919.